The following is an entry in ClinVar:

NM_001379270.1(CNGA1):c.1561G>A (p.Ala521Thr)

Genes: CNGA1 (cyclic nucleotide gated channel subunit alpha 1; minus strand), LOC101927157 (uncharacterized LOC101927157; plus strand). Cytogenetic location: 4p12.
Variant type: single nucleotide variant.
Coding change: c.1561G>A on transcript NM_001379270.1 (MANE Select); coding-DNA position 1561, G replaced by A.
Protein change: p.Ala521Thr; replaces alanine 521 with threonine.
Molecular consequence: missense variant.
Genome position (GRCh38, 1-based): chr4:47,936,921, C>T on the plus strand (G>A on the coding strand, the complement: CNGA1 is on the minus strand). VCF-style: chr4-47936921-C-T. GRCh37 (hg19) VCF-style: chr4-47938938-C-T.
Other names: c.1561G>A, p.Ala521Thr (NM_000087.5, NM_001142564.2); short protein forms A521T.
Identifiers: ClinVar variation 2106545 (VCV002106545.4), dbSNP rs770180675, ClinGen allele CA2911054.

ClinVar aggregate classification (germline): Uncertain significance (1 of 4 stars; one submission).

Allele frequency attached by ClinVar (database versions not stated): TOPMed below 0.00001; ExAC 0.00001; gnomAD 0.00001.
gnomAD v4.1: 15 of 1,613,946 alleles (0.00093%); highest among the groups gnomAD compares: East Asian, 0.025%; no homozygotes.

Submission:

Labcorp Genetics (formerly Invitae), Labcorp
Classification: Uncertain significance. Last evaluated: 2022-03-04. Review status: criteria provided, single submitter. Criteria: Invitae Variant Classification Sherloc (09022015). Collection method: clinical testing. Allele origin: germline.
Comment: This sequence change replaces alanine, which is neutral and non-polar, with threonine, which is neutral and polar, at codon 525 of the CNGA1 protein (p.Ala525Thr). This variant is present in population databases (rs770180675, gnomAD 0.003%). This variant has not been reported in the literature in individuals affected with CNGA1-related conditions. Algorithms developed to predict the effect of missense changes on protein structure and function are either unavailable or do not agree on the potential impact of this missense change (SIFT: "Tolerated"; PolyPhen-2: "Probably Damaging"; Align-GVGD: "Class C0"). In summary, the available evidence is currently insufficient to determine the role of this variant in disease. Therefore, it has been classified as a Variant of Uncertain Significance.